The following is an entry in ClinVar:

ClinVar aggregate classification (germline): Uncertain significance (1 of 4 stars; one submission).

Submission:

GeneDx
Classification: Uncertain significance. Last evaluated: 2023-12-18. Review status: criteria provided, single submitter. Criteria: GeneDx Variant Classification Process June 2021. Collection method: clinical testing. Allele origin: germline. Affected: yes.
Comment: Not observed at significant frequency in large population cohorts (gnomAD); In silico analysis supports that this missense variant has a deleterious effect on protein structure/function; Has not been previously published as pathogenic or benign to our knowledge

NM_002235.5(KCNA6):c.1310T>C (p.Ile437Thr)

Genes: KCNA6 (potassium voltage-gated channel subfamily A member 6; plus strand), KCNA6-AS1 (KCNA6 antisense RNA 1; minus strand). Cytogenetic location: 12p13.32.
Variant type: single nucleotide variant.
Coding change: c.1310T>C on transcript NM_002235.5 (MANE Select); coding-DNA position 1310, T replaced by C.
Protein change: p.Ile437Thr; replaces isoleucine 437 with threonine.
Molecular consequence: missense variant. On other transcripts: non-coding transcript variant (3).
Genome position (GRCh38, 1-based): chr12:4,811,351, T>C. VCF-style: chr12-4811351-T-C. GRCh37 (hg19) VCF-style: chr12-4920517-T-C.
Other names: short protein forms I437T.
Identifiers: ClinVar variation 3370026 (VCV003370026.1).